The following is an entry in ClinVar:

NM_020791.4(TAOK1):c.1427A>C (p.Lys476Thr)

Gene: TAOK1 (TAO kinase 1; plus strand). Cytogenetic location: 17q11.2.
Variant type: single nucleotide variant.
Coding change: c.1427A>C on transcript NM_020791.4 (MANE Select); coding-DNA position 1427, A replaced by C.
Protein change: p.Lys476Thr; replaces lysine 476 with threonine.
Molecular consequence: missense variant.
Genome position (GRCh38, 1-based): chr17:29,507,984, A>C. VCF-style: chr17-29507984-A-C. GRCh37 (hg19) VCF-style: chr17-27835002-A-C.
Other names: c.1427A>C, p.Lys476Thr (NM_025142.1); short protein forms K476T.
Identifiers: ClinVar variation 4532766 (VCV004532766.1).

ClinVar aggregate classification (germline): Uncertain significance (1 of 4 stars; one submission).

Submission:

GeneDx
Classification: Uncertain significance. Last evaluated: 2025-05-31. Review status: criteria provided, single submitter. Criteria: GeneDx Variant Classification Process June 2021. Collection method: clinical testing. Allele origin: germline. Affected: yes.
Comment: Not observed at significant frequency in large population cohorts (gnomAD); In silico analysis supports that this missense variant has a deleterious effect on protein structure/function; Has not been previously published as pathogenic or benign to our knowledge